The following is an entry in ClinVar:

NM_001365951.3(KIF1B):c.3013T>G (p.Phe1005Val)

Gene: KIF1B (kinesin family member 1B; plus strand). Cytogenetic location: 1p36.22.
Variant type: single nucleotide variant.
Coding change: c.3013T>G on transcript NM_001365951.3 (MANE Select); coding-DNA position 3013, T replaced by G.
Protein change: p.Phe1005Val; replaces phenylalanine 1005 with valine.
Molecular consequence: missense variant.
Genome position (GRCh38, 1-based): chr1:10,334,608, T>G. VCF-style: chr1-10334608-T-G. GRCh37 (hg19) VCF-style: chr1-10394666-T-G.
Other names: c.3013T>G, p.Phe1005Val (NM_001365952.1); c.2875T>G, p.Phe959Val (NM_015074.3); short protein forms F1005V, F959V.
Identifiers: ClinVar variation 969127 (VCV000969127.12), dbSNP rs142096228, ClinGen allele CA581668.

ClinVar aggregate classification (germline): Uncertain significance. Review status: criteria provided, multiple submitters, no conflicts (2 of 4 stars). 2 submissions from 2 submitters: Uncertain significance (2). Last evaluated 2025-12-03.

Conditions:
Charcot-Marie-Tooth disease type 2. Also called: Charcot-Marie-Tooth type 2. Identifiers: Orphanet 64746, MedGen C0270914, MONDO:0018993.

Allele frequency attached by ClinVar (database versions not stated): gnomAD exomes 0.00001 and 0.00002; ExAC 0.00002; gnomAD 0.00002; ESP Exome Variant Server 0.00008; TOPMed 0.00002.
gnomAD v4.1: 28 of 1,613,848 alleles (0.0017%); highest among the groups gnomAD compares: Non-Finnish European, 0.0023%; no homozygotes.

Submissions (2):

Labcorp Genetics (formerly Invitae), Labcorp
Classification: Uncertain significance for Charcot-Marie-Tooth disease type 2. Last evaluated: 2025-12-03. Review status: criteria provided, single submitter. Criteria: Invitae Variant Classification Sherloc (09022015). Collection method: clinical testing. Allele origin: germline.
Comment: This sequence change replaces phenylalanine, which is neutral and non-polar, with valine, which is neutral and non-polar, at codon 959 of the KIF1B protein (p.Phe959Val). This variant is present in population databases (rs142096228, gnomAD 0.0009%). This variant has not been reported in the literature in individuals affected with KIF1B-related conditions. ClinVar contains an entry for this variant (Variation ID: 969127). Invitae Evidence Modeling of protein sequence and biophysical properties (such as structural, functional, and spatial information, amino acid conservation, physicochemical variation, residue mobility, and thermodynamic stability) indicates that this missense variant is not expected to disrupt KIF1B protein function with a negative predictive value of 80%. In summary, the available evidence is currently insufficient to determine the role of this variant in disease. Therefore, it has been classified as a Variant of Uncertain Significance.

Ambry Genetics
Classification: Uncertain significance. Last evaluated: 2025-05-26. Review status: criteria provided, single submitter. Criteria: Ambry Variant Classification Scheme 2023. Collection method: clinical testing. Allele origin: germline.
Comment: The p.F959V variant (also known as c.2875T>G), located in coding exon 25 of the KIF1B gene, results from a T to G substitution at nucleotide position 2875. The phenylalanine at codon 959 is replaced by valine, an amino acid with highly similar properties. This amino acid position is highly conserved in available vertebrate species. In addition, this alteration is predicted to be deleterious by in silico analysis. Since supporting evidence is limited at this time, the clinical significance of this alteration remains unclear.